The following is an entry in ClinVar:

ClinVar aggregate classification (germline): Uncertain significance. Review status: criteria provided, multiple submitters, no conflicts (2 of 4 stars). 2 submissions from 2 submitters: Uncertain significance (2). Last evaluated 2024-04-24.

Conditions:
Charcot-Marie-Tooth disease type 2. Also called: Charcot-Marie-Tooth type 2. Identifiers: Orphanet 64746, MedGen C0270914, MONDO:0018993.
Inborn genetic diseases. Identifiers: MedGen C0950123, MeSH D030342.

Allele frequency attached by ClinVar (database versions not stated): gnomAD exomes below 0.00001; TOPMed below 0.00001.
gnomAD v4.1: 8 of 1,614,178 alleles (0.0005%); highest among the groups gnomAD compares: Non-Finnish European, 0.00051%; no homozygotes.

Submissions (2):

Labcorp Genetics (formerly Invitae), Labcorp
Classification: Uncertain significance for Charcot-Marie-Tooth disease type 2. Last evaluated: 2024-04-24. Review status: criteria provided, single submitter. Criteria: Invitae Variant Classification Sherloc (09022015). Collection method: clinical testing. Allele origin: germline.
Comment: This sequence change replaces isoleucine, which is neutral and non-polar, with threonine, which is neutral and polar, at codon 849 of the AARS protein (p.Ile849Thr). This variant is not present in population databases (gnomAD no frequency). This variant has not been reported in the literature in individuals affected with AARS-related conditions. ClinVar contains an entry for this variant (Variation ID: 1800401). An algorithm developed to predict the effect of missense changes on protein structure and function (PolyPhen-2) suggests that this variant is likely to be disruptive. In summary, the available evidence is currently insufficient to determine the role of this variant in disease. Therefore, it has been classified as a Variant of Uncertain Significance.

Ambry Genetics
Classification: Uncertain significance for Inborn genetic diseases. Last evaluated: 2019-09-17. Review status: criteria provided, single submitter. Criteria: Ambry Variant Classification Scheme 2023. Collection method: clinical testing. Allele origin: germline.
Comment: The p.I849T variant (also known as c.2546T>C), located in coding exon 18 of the AARS gene, results from a T to C substitution at nucleotide position 2546. The isoleucine at codon 849 is replaced by threonine, an amino acid with similar properties. This amino acid position is highly conserved in available vertebrate species. In addition, this alteration is predicted to be deleterious by in silico analysis. Since supporting evidence is limited at this time, the clinical significance of this alteration remains unclear.

NM_001605.3(AARS1):c.2546T>C (p.Ile849Thr)

Gene: AARS1 (alanyl-tRNA synthetase 1; minus strand). Cytogenetic location: 16q22.1.
Variant type: single nucleotide variant.
Coding change: c.2546T>C on transcript NM_001605.3 (MANE Select); coding-DNA position 2546, T replaced by C.
Protein change: p.Ile849Thr; replaces isoleucine 849 with threonine.
Molecular consequence: missense variant.
Genome position (GRCh38, 1-based): chr16:70,253,775, A>G on the plus strand (T>C on the coding strand, the complement: AARS1 is on the minus strand). VCF-style: chr16-70253775-A-G. GRCh37 (hg19) VCF-style: chr16-70287678-A-G.
Other names: short protein forms I849T.
Identifiers: ClinVar variation 1800401 (VCV001800401.4), dbSNP rs1301891239, ClinGen allele CA396555015.
Genomic context (GRCh38, chr16:70,253,775, plus strand): 5'-TTGGCTGAGGCGCCGCTCTCCATCTCCAGGATGACAAGAGGCTGGTTGGGGTTGCTGTCG[A>G]TGAACTGCTTCGTCTTCTCTAACACCTGCAAGAAAAAAGTCCAGAACAGCAGCTCAGACC-3'
Protein context (NP_001596.2, residues 839-859): KRVLEKTKQF[Ile849Thr]DSNPNQPLVI